The following is an entry in ClinVar:

ClinVar aggregate classification (germline): Uncertain significance. Review status: criteria provided, single submitter (1 of 4 stars). 2 submissions from 2 submitters: Uncertain significance (1). 1 of the submissions does not count toward it. Last evaluated 2024-03-25.

Conditions:
EHBP1L1-related disorder. Also called: EHBP1L1-related condition.

Allele frequency attached by ClinVar (database versions not stated): ExAC 0.00019; TOPMed 0.00120; gnomAD 0.00128; gnomAD exomes 0.00205.

Submissions (2):

Ambry Genetics
Classification: Uncertain significance. Last evaluated: 2024-03-25. Review status: criteria provided, single submitter. Criteria: Ambry Variant Classification Scheme 2023. Collection method: clinical testing. Allele origin: germline.

PreventionGenetics, part of Exact Sciences
Classification: Likely benign for EHBP1L1-related condition. Last evaluated: 2022-12-27. Review status: no assertion criteria provided. Collection method: clinical testing. Allele origin: germline. Not counted in ClinVar's aggregate classification.
Comment: This variant is classified as likely benign based on ACMG/AMP sequence variant interpretation guidelines (Richards et al. 2015 PMID: 25741868, with internal and published modifications).

NM_001099409.3(EHBP1L1):c.3761G>A (p.Arg1254Gln)

Gene: EHBP1L1 (EH domain binding protein 1 like 1; plus strand). Cytogenetic location: 11q13.1.
Variant type: single nucleotide variant.
Coding change: c.3761G>A on transcript NM_001099409.3 (MANE Select); coding-DNA position 3761, G replaced by A.
Protein change: p.Arg1254Gln; replaces arginine 1254 with glutamine.
Molecular consequence: missense variant.
Genome position (GRCh38, 1-based): chr11:65,585,419, G>A. VCF-style: chr11-65585419-G-A. GRCh37 (hg19) VCF-style: chr11-65352890-G-A.
Other names: c.1487G>A, p.Arg496Gln (NM_001351087.2); short protein forms R1254Q, R496Q.
Identifiers: ClinVar variation 3050482 (VCV003050482.3), dbSNP rs757427630, ClinGen allele CA6102433.